The following is an entry in ClinVar:

NM_198253.3(TERT):c.1580G>A (p.Gly527Asp)

Gene: TERT (telomerase reverse transcriptase; minus strand). Cytogenetic location: 5p15.33.
Variant type: single nucleotide variant.
Coding change: c.1580G>A on transcript NM_198253.3 (MANE Select); coding-DNA position 1580, G replaced by A.
Protein change: p.Gly527Asp; replaces glycine 527 with aspartic acid.
Molecular consequence: missense variant. On other transcripts: non-coding transcript variant (2).
Genome position (GRCh38, 1-based): chr5:1,282,618, C>T on the plus strand (G>A on the coding strand, the complement: TERT is on the minus strand). VCF-style: chr5-1282618-C-T. GRCh37 (hg19) VCF-style: chr5-1282733-C-T.
Other names: c.1580G>A, p.Gly527Asp (NM_001193376.3, NM_003219.1); short protein forms G527D.
Identifiers: ClinVar variation 2946286 (VCV002946286.4), dbSNP rs1006357203, ClinGen allele CA359083604.

ClinVar aggregate classification (germline): Uncertain significance. Review status: criteria provided, multiple submitters, no conflicts (2 of 4 stars). 2 submissions from 2 submitters: Uncertain significance (2). Last evaluated 2024-07-05.

Conditions:
Dyskeratosis congenita. Identifiers: Orphanet 1775, MedGen C0265965, MONDO:0015780.
Idiopathic Pulmonary Fibrosis. Also called: Idiopathic fibrosing alveolitis, chronic form; idiopathic fibrosing alveolitis. Identifiers: Orphanet 2032, MedGen C1800706, MeSH D054990, MONDO:0800504.
Dyskeratosis congenita, autosomal dominant 2. Identifiers: MedGen C3151443, MONDO:0013521, OMIM 613989.

Submissions (2):

Ambry Genetics
Classification: Uncertain significance for Dyskeratosis congenita. Last evaluated: 2024-07-05. Review status: criteria provided, single submitter. Criteria: Ambry Variant Classification Scheme 2023. Collection method: clinical testing. Allele origin: germline.
Comment: The p.G527D variant (also known as c.1580G>A), located in coding exon 3 of the TERT gene, results from a G to A substitution at nucleotide position 1580. The glycine at codon 527 is replaced by aspartic acid, an amino acid with similar properties. This amino acid position is conserved. In addition, this alteration is predicted to be tolerated by in silico analysis. Based on the available evidence, the clinical significance of this variant remains unclear.

Labcorp Genetics (formerly Invitae), Labcorp
Classification: Uncertain significance for Dyskeratosis congenita, autosomal dominant 2; Idiopathic Pulmonary Fibrosis. Last evaluated: 2023-04-07. Review status: criteria provided, single submitter. Criteria: Invitae Variant Classification Sherloc (09022015). Collection method: clinical testing. Allele origin: germline.
Comment: This variant is not present in population databases (gnomAD no frequency). This variant has not been reported in the literature in individuals affected with TERT-related conditions. Algorithms developed to predict the effect of missense changes on protein structure and function output the following: SIFT: "Not Available"; PolyPhen-2: "Benign"; Align-GVGD: "Not Available". The aspartic acid amino acid residue is found in multiple mammalian species, which suggests that this missense change does not adversely affect protein function. In summary, the available evidence is currently insufficient to determine the role of this variant in disease. Therefore, it has been classified as a Variant of Uncertain Significance. This sequence change replaces glycine, which is neutral and non-polar, with aspartic acid, which is acidic and polar, at codon 527 of the TERT protein (p.Gly527Asp).